The following is an entry in ClinVar:

NM_152309.3(PIK3AP1):c.1414C>T (p.Pro472Ser)

Gene: PIK3AP1 (phosphoinositide-3-kinase adaptor protein 1; minus strand). Cytogenetic location: 10q24.1.
Variant type: single nucleotide variant.
Coding change: c.1414C>T on transcript NM_152309.3 (MANE Select); coding-DNA position 1414, C replaced by T.
Protein change: p.Pro472Ser; replaces proline 472 with serine.
Molecular consequence: missense variant.
Genome position (GRCh38, 1-based): chr10:96,628,455, G>A on the plus strand (C>T on the coding strand, the complement: PIK3AP1 is on the minus strand). VCF-style: chr10-96628455-G-A. GRCh37 (hg19) VCF-style: chr10-98388212-G-A.
Other names: c.1414C>T (NM_152309.2); short protein forms P472S.
Identifiers: ClinVar variation 2800729 (VCV002800729.4), dbSNP rs896155784, ClinGen allele CA212608506.

ClinVar aggregate classification (germline): Conflicting classifications of pathogenicity. Review status: criteria provided, conflicting classifications (1 of 4 stars). 2 submissions from 2 submitters: Uncertain significance (1); Likely benign (1). Last evaluated 2024-11-10.

Conditions:
Infantile spasms. Also called: Infantile spasm. Identifiers: MedGen C3887898, HP:0012469.

Allele frequency attached by ClinVar (database versions not stated): gnomAD exomes below 0.00001; gnomAD 0.00002; TOPMed 0.00002.
gnomAD v4.1: 9 of 1,613,472 alleles (0.00056%); highest among the groups gnomAD compares: African/African-American, 0.0013%; no homozygotes.

Submissions (2):

Ambry Genetics
Classification: Likely benign. Last evaluated: 2024-11-10. Review status: criteria provided, single submitter. Criteria: Ambry Variant Classification Scheme 2023. Collection method: clinical testing. Allele origin: germline.

Labcorp Genetics (formerly Invitae), Labcorp
Classification: Uncertain significance for Infantile spasms. Last evaluated: 2023-11-24. Review status: criteria provided, single submitter. Criteria: Invitae Variant Classification Sherloc (09022015). Collection method: clinical testing. Allele origin: germline.
Comment: This sequence change replaces proline, which is neutral and non-polar, with serine, which is neutral and polar, at codon 472 of the PIK3AP1 protein (p.Pro472Ser). This variant is not present in population databases (gnomAD no frequency). This variant has not been reported in the literature in individuals affected with PIK3AP1-related conditions. Algorithms developed to predict the effect of missense changes on protein structure and function output the following: SIFT: "Not Available"; PolyPhen-2: "Benign"; Align-GVGD: "Not Available". The serine amino acid residue is found in multiple mammalian species, which suggests that this missense change does not adversely affect protein function. In summary, the available evidence is currently insufficient to determine the role of this variant in disease. Therefore, it has been classified as a Variant of Uncertain Significance.